The following is an entry in ClinVar:

ClinVar aggregate classification (germline): Uncertain significance (1 of 4 stars; one submission).

Allele frequency attached by ClinVar (database versions not stated): gnomAD exomes below 0.00001 and 0.00001; TOPMed 0.00001.

Submission:

Labcorp Genetics (formerly Invitae), Labcorp
Classification: Uncertain significance. Last evaluated: 2022-02-21. Review status: criteria provided, single submitter. Criteria: Invitae Variant Classification Sherloc (09022015). Collection method: clinical testing. Allele origin: germline.
Comment: Algorithms developed to predict the effect of sequence changes on RNA splicing suggest that this variant may create or strengthen a splice site. In summary, the available evidence is currently insufficient to determine the role of this variant in disease. Therefore, it has been classified as a Variant of Uncertain Significance. ClinVar contains an entry for this variant (Variation ID: 955883). This variant has not been reported in the literature in individuals affected with REEP6-related conditions. This variant is present in population databases (no rsID available, gnomAD 0.003%). This sequence change replaces glycine, which is neutral and non-polar, with serine, which is neutral and polar, at codon 115 of the REEP6 protein (p.Gly115Ser).

NM_138393.4(REEP6):c.343G>A (p.Gly115Ser)

Gene: REEP6 (receptor accessory protein 6; plus strand). Cytogenetic location: 19p13.3.
Variant type: single nucleotide variant.
Coding change: c.343G>A on transcript NM_138393.4 (MANE Select); coding-DNA position 343, G replaced by A.
Protein change: p.Gly115Ser; replaces glycine 115 with serine.
Molecular consequence: missense variant.
Genome position (GRCh38, 1-based): chr19:1,495,602, G>A. VCF-style: chr19-1495602-G-A. GRCh37 (hg19) VCF-style: chr19-1495601-G-A.
Other names: c.343G>A, p.Gly115Ser (NM_001329556.3); short protein forms G115S.
Identifiers: ClinVar variation 955883 (VCV000955883.9), dbSNP rs1379122686, ClinGen allele CA403056841.
Genomic context (GRCh38, chr19:1,495,602, plus strand): 5'-TTTGGGCTGGCCGAGTTCTTCAGCGATCTACTCCTGTCCTGGTTCCCTTTCTACTACGTG[G>A]GCAAGGTGGGCCCTGCCAGGGCGGGCACAGCCGTGGAGCGCATGGGGCTTGGGGATTCCT-3'
Protein context (NP_612402.1, residues 105-125): LLSWFPFYYV[Gly115Ser]KCAFLLFCMA